The following is an entry in ClinVar:

NM_001029883.3(PCARE):c.3279G>A (p.Met1093Ile)

Gene: PCARE (photoreceptor cilium actin regulator; minus strand). Cytogenetic location: 2p23.2.
Variant type: single nucleotide variant.
Coding change: c.3279G>A on transcript NM_001029883.3 (MANE Select); coding-DNA position 3279, G replaced by A.
Protein change: p.Met1093Ile; replaces methionine 1093 with isoleucine.
Molecular consequence: missense variant.
Genome position (GRCh38, 1-based): chr2:29,070,983, C>T on the plus strand (G>A on the coding strand, the complement: PCARE is on the minus strand). VCF-style: chr2-29070983-C-T. GRCh37 (hg19) VCF-style: chr2-29293849-C-T.
Other names: short protein forms M1093I.
Identifiers: ClinVar variation 1378389 (VCV001378389.6), dbSNP rs747618418, ClinGen allele CA1591974.

ClinVar aggregate classification (germline): Uncertain significance (1 of 4 stars; one submission).

Allele frequency attached by ClinVar (database versions not stated): gnomAD 0.00001 and 0.00002; gnomAD exomes 0.00001 and 0.00002; TOPMed 0.00001; ExAC 0.00003.

Submission:

Labcorp Genetics (formerly Invitae), Labcorp
Classification: Uncertain significance. Last evaluated: 2022-02-23. Review status: criteria provided, single submitter. Criteria: Invitae Variant Classification Sherloc (09022015). Collection method: clinical testing. Allele origin: germline.
Comment: In summary, the available evidence is currently insufficient to determine the role of this variant in disease. Therefore, it has been classified as a Variant of Uncertain Significance. Algorithms developed to predict the effect of missense changes on protein structure and function (SIFT, PolyPhen-2, Align-GVGD) all suggest that this variant is likely to be tolerated. This variant has not been reported in the literature in individuals affected with PCARE-related conditions. This variant is present in population databases (rs747618418, gnomAD 0.003%). This sequence change replaces methionine, which is neutral and non-polar, with isoleucine, which is neutral and non-polar, at codon 1093 of the PCARE protein (p.Met1093Ile).